The following is an entry in ClinVar:

NM_020706.2(SCAF4):c.656_660dup (p.Asn221fs)

Gene: SCAF4 (SR-related CTD associated factor 4; minus strand). Cytogenetic location: 21q22.11.
Variant type: Duplication.
Coding change: c.656_660dup on transcript NM_020706.2 (MANE Select); coding-DNA positions 656 to 660, 5 bases duplicated (TTGAC; older notation c.656_660dupTTGAC).
Protein change: p.Asn221fs; shifts the reading frame from asparagine 221.
Molecular consequence: frameshift variant.
Genome position (GRCh38, 1-based): chr21:31,701,112-31,701,116, GTCAA duplicated on the plus strand (TTGAC on the coding strand, the reverse complement: SCAF4 is on the minus strand); duplicating any 5 consecutive bases within chr21:31,701,112-31,701,117 gives the same sequence; the c. name uses the placement nearest the transcript's 3' end. VCF-style (leftmost placement, unchanged base first): chr21-31701111-T-TGTCAA. GRCh37 (hg19) VCF-style: chr21-33073424-T-TGTCAA.
Other names: c.611_615dup, p.Asn206fs (NM_001145444.1); c.656_660dup, p.Asn221fs (NM_001145445.1); c.656_660dupTTGAC (NM_020706.2); short protein forms N206fs, N221fs.
Identifiers: ClinVar variation 3437763 (VCV003437763.1).

ClinVar aggregate classification (germline): Pathogenic (1 of 4 stars; one submission).

Conditions:
Inborn genetic diseases. Identifiers: MedGen C0950123, MeSH D030342.

Submission:

Ambry Genetics
Classification: Pathogenic for Inborn genetic diseases. Last evaluated: 2024-11-19. Review status: criteria provided, single submitter. Criteria: Ambry Variant Classification Scheme 2023. Collection method: clinical testing. Allele origin: germline.
Comment: The c.656_660dupTTGAC (p.N221Lfs*5) alteration, located in exon 7 (coding exon 7) of the SCAF4 gene, consists of a duplication of TTGAC at position 656, causing a translational frameshift with a predicted alternate stop codon after 5 amino acids. This alteration is expected to result in loss of function by premature protein truncation or nonsense-mediated mRNA decay. This variant was not reported in population-based cohorts in the Genome Aggregation Database (gnomAD). Based on the available evidence, this alteration is classified as pathogenic.